The following is an entry in ClinVar:

ClinVar aggregate classification (germline): Uncertain significance. Review status: criteria provided, multiple submitters, no conflicts (2 of 4 stars). 2 submissions from 2 submitters: Uncertain significance (2). Last evaluated 2024-05-09.

Conditions:
Catecholaminergic polymorphic ventricular tachycardia (CVPT). Also called: Catecholamine-induced polymorphic ventricular tachycardia. Identifiers: Orphanet 3286, MedGen C5574922, MONDO:0017990.
Cardiomyopathy (CMYO). Also called: Cardiomyopathies. Identifiers: Orphanet 167848, MedGen C0878544, MONDO:0004994, HP:0001638. Inheritance: Various modes of inheritance.

gnomAD v4.1: 1 of 1,613,828 alleles (0.000062%); highest among the groups gnomAD compares: South Asian, 0.0011%; no homozygotes.

Submissions (2):

All of Us Research Program, National Institutes of Health
Classification: Uncertain significance for Catecholaminergic polymorphic ventricular tachycardia. Last evaluated: 2024-05-09. Review status: criteria provided, single submitter. Criteria: ACMG Guidelines, 2015. Collection method: clinical testing. Allele origin: germline. Inheritance: Autosomal dominant inheritance. Observed: 1 variant allele, 1 heterozygote.
Comment: Variant of Uncertain Significance due to insufficient evidence: This missense variant is located in the pore-forming region of the RYR2 protein. Computational prediction tools and conservation analyses suggest that this variant may have deleterious impact on the protein function. Computational splicing tools suggest that this variant may not impact RNA splicing. To our knowledge, functional assays have not been performed for this variant nor has this variant been reported in individuals affected with cardiovascular disorders in the literature. This variant is rare in the general population and has been identified in 0/277264 chromosomes by the Genome Aggregation Database (gnomAD). Available evidence is insufficient to determine the pathogenicity of this variant conclusively.

This study involves interpretation of variants in research participants for the purpose of population health screening. Participant phenotype was not available at the time of variant classification. Additional details can be found in publication PMID: 35346344, PMCID: PMC8962531

Color Diagnostics, LLC DBA Color Health
Classification: Uncertain significance for Cardiomyopathy. Last evaluated: 2023-12-05. Review status: criteria provided, single submitter. Criteria: ACMG Guidelines, 2015. Collection method: clinical testing. Allele origin: germline.
Comment: Variant of Uncertain Significance due to insufficient evidence: This missense variant is located in the pore-forming region of the RYR2 protein. Computational prediction tools and conservation analyses suggest that this variant may have deleterious impact on the protein function. Computational splicing tools suggest that this variant may not impact RNA splicing. To our knowledge, functional assays have not been performed for this variant nor has this variant been reported in individuals affected with cardiovascular disorders in the literature. This variant is rare in the general population and has been identified in 0/277264 chromosomes by the Genome Aggregation Database (gnomAD). Available evidence is insufficient to determine the pathogenicity of this variant conclusively.

NM_001035.3(RYR2):c.13702A>G (p.Met4568Val)

Gene: RYR2 (ryanodine receptor 2; plus strand). Cytogenetic location: 1q43.
Variant type: single nucleotide variant.
Coding change: c.13702A>G on transcript NM_001035.3 (MANE Select); coding-DNA position 13702, A replaced by G.
Protein change: p.Met4568Val; replaces methionine 4568 with valine.
Molecular consequence: missense variant.
Genome position (GRCh38, 1-based): chr1:237,792,243, A>G. VCF-style: chr1-237792243-A-G. GRCh37 (hg19) VCF-style: chr1-237955543-A-G.
Other names: short protein forms M4568V.
Identifiers: ClinVar variation 920099 (VCV000920099.6), dbSNP rs1658463987, ClinGen allele CA345417556.